The following is an entry in ClinVar:

NM_005431.2(XRCC2):c.274C>G (p.Leu92Val)

Gene: XRCC2 (X-ray repair cross complementing 2; minus strand). Cytogenetic location: 7q36.1.
Variant type: single nucleotide variant.
Coding change: c.274C>G on transcript NM_005431.2 (MANE Select); coding-DNA position 274, C replaced by G.
Protein change: p.Leu92Val; replaces leucine 92 with valine.
Molecular consequence: missense variant.
Genome position (GRCh38, 1-based): chr7:152,649,211, G>C on the plus strand (C>G on the coding strand, the complement: XRCC2 is on the minus strand). VCF-style: chr7-152649211-G-C. GRCh37 (hg19) VCF-style: chr7-152346296-G-C.
Other names: short protein forms L92V.
Identifiers: ClinVar variation 4866845 (VCV004866845.1).

ClinVar aggregate classification (germline): Uncertain significance (1 of 4 stars; one submission).

Conditions:
Hereditary cancer-predisposing syndrome. Also called: Neoplastic Syndromes, Hereditary; Tumor predisposition; Hereditary Cancer Syndrome; Hereditary neoplastic syndrome. Identifiers: Orphanet 140162, MedGen C0027672, MeSH D009386, MONDO:0015356.

Submission:

Ambry Genetics
Classification: Uncertain significance for Hereditary cancer-predisposing syndrome. Last evaluated: 2026-05-18. Review status: criteria provided, single submitter. Criteria: Ambry Variant Classification Scheme 2023. Collection method: clinical testing. Allele origin: germline.
Comment: The p.L92V variant (also known as c.274C>G), located in coding exon 3 of the XRCC2 gene, results from a C to G substitution at nucleotide position 274. The leucine at codon 92 is replaced by valine, an amino acid with highly similar properties. This amino acid position is conserved. In addition, this alteration is predicted to be tolerated by in silico analysis. Based on the available evidence, the clinical significance of this variant remains unclear.